The following is an entry in ClinVar:

NM_031935.3(HMCN1):c.4297G>A (p.Ala1433Thr)

Gene: HMCN1 (hemicentin 1; plus strand). Cytogenetic location: 1q31.1.
Variant type: single nucleotide variant.
Coding change: c.4297G>A on transcript NM_031935.3 (MANE Select); coding-DNA position 4297, G replaced by A.
Protein change: p.Ala1433Thr; replaces alanine 1433 with threonine.
Molecular consequence: missense variant.
Genome position (GRCh38, 1-based): chr1:186,001,690, G>A. VCF-style: chr1-186001690-G-A. GRCh37 (hg19) VCF-style: chr1-185970822-G-A.
Other names: short protein forms A1433T.
Identifiers: ClinVar variation 3604846 (VCV003604846.2).
Genomic context (GRCh38, chr1:186,001,690, plus strand): 5'-GGGAAGATACTGAAGCTCTTCAGAGCCACTCCAGAGGATGCAGGAAGATATTCCTGCAAA[G>A]CAATTAATATTGCAGGCACTTCTCAGAAGTACTTTAACATTGATGTGCTAGGTAAGAAAT-3'
Protein context (NP_114141.2, residues 1423-1443): PEDAGRYSCK[Ala1433Thr]INIAGTSQKY

ClinVar aggregate classification (germline): Uncertain significance (1 of 4 stars; one submission).

gnomAD v4.1: 20 of 1,612,088 alleles (0.0012%); highest among the groups gnomAD compares: Non-Finnish European, 0.0016%; no homozygotes.

Submission:

Labcorp Genetics (formerly Invitae), Labcorp
Classification: Uncertain significance. Last evaluated: 2025-05-13. Review status: criteria provided, single submitter. Criteria: Invitae Variant Classification Sherloc (09022015). Collection method: clinical testing. Allele origin: germline.
Comment: This sequence change replaces alanine, which is neutral and non-polar, with threonine, which is neutral and polar, at codon 1433 of the HMCN1 protein (p.Ala1433Thr). This variant is present in population databases (no rsID available, gnomAD 0.0009%). This variant has not been reported in the literature in individuals affected with HMCN1-related conditions. ClinVar contains an entry for this variant (Variation ID: 3604846). An algorithm developed to predict the effect of missense changes on protein structure and function (PolyPhen-2) suggests that this variant is likely to be disruptive. In summary, the available evidence is currently insufficient to determine the role of this variant in disease. Therefore, it has been classified as a Variant of Uncertain Significance.